The following is an entry in ClinVar:

ClinVar aggregate classification (germline): Likely benign (1 of 4 stars; one submission).

Conditions:
Hereditary spastic paraplegia 48. Also called: SPASTIC PARAPLEGIA 48, AUTOSOMAL RECESSIVE; Spastic paraplegia 48. Identifiers: Orphanet 306511, MedGen C3150901, MONDO:0013342, OMIM 613647.

Allele frequency attached by ClinVar (database versions not stated): gnomAD exomes 0.00629; gnomAD 0.04035 and 0.04368; 1000 Genomes Project 0.04173; 1000 Genomes Project 30x 0.04482; TOPMed 0.04664.
gnomAD v4.1: 6,100 of 152,694 alleles (4%); highest among the groups gnomAD compares: African/African-American, 14%; 401 homozygotes.

Submission:

Illumina Laboratory Services, Illumina
Classification: Likely benign for Hereditary spastic paraplegia 48. Last evaluated: 2017-04-27. Review status: criteria provided, single submitter. Criteria: ICSL Variant Classification Criteria 13 December 2019. Collection method: clinical testing. Allele origin: germline.
Comment: This variant was observed as part of a predisposition screen in an ostensibly healthy population. A literature search was performed for the gene, cDNA change, and amino acid change (where applicable). No publications were found based on this search. Allele frequency data from public databases allowed determination this variant is unlikely to cause disease. Therefore, this variant is classified as likely benign.

NM_014855.3(AP5Z1):c.*2286G>A

Gene: AP5Z1 (adaptor related protein complex 5 subunit zeta 1; plus strand). Cytogenetic location: 7p22.1.
Variant type: single nucleotide variant.
Coding change: c.*2286G>A on transcript NM_014855.3 (MANE Select); 2286 bases downstream of the stop codon, G replaced by A.
Molecular consequence: 3 prime UTR variant. On other transcripts: non-coding transcript variant (1).
Genome position (GRCh38, 1-based): chr7:4,793,671, G>A. VCF-style: chr7-4793671-G-A. GRCh37 (hg19) VCF-style: chr7-4833302-G-A.
Other names: c.*2286G>A (LRG_1247t1, NM_001364858.1).
Identifiers: ClinVar variation 360403 (VCV000360403.5), dbSNP rs111762282, ClinGen allele CA10626193.